The following is an entry in ClinVar:

ClinVar aggregate classification (germline): Uncertain significance (1 of 4 stars; one submission).

Submission:

GeneDx
Classification: Uncertain significance. Last evaluated: 2021-06-10. Review status: criteria provided, single submitter. Criteria: GeneDx Variant Classification Process June 2021. Collection method: clinical testing. Allele origin: germline. Affected: yes.
Comment: This variant is associated with the following publications: (PMID: 27535533)

NM_020320.5(RARS2):c.1654A>G (p.Arg552Gly)

Gene: RARS2 (arginyl-tRNA synthetase 2, mitochondrial; minus strand). Cytogenetic location: 6q15.
Variant type: single nucleotide variant.
Coding change: c.1654A>G on transcript NM_020320.5 (MANE Select); coding-DNA position 1654, A replaced by G.
Protein change: p.Arg552Gly; replaces arginine 552 with glycine.
Molecular consequence: missense variant. On other transcripts: non-coding transcript variant (23).
Genome position (GRCh38, 1-based): chr6:87,514,496, T>C on the plus strand (A>G on the coding strand, the complement: RARS2 is on the minus strand). VCF-style: chr6-87514496-T-C. GRCh37 (hg19) VCF-style: chr6-88224214-T-C.
Other names: c.1129A>G, p.Arg377Gly (NM_001318785.2, NM_001350506.2, NM_001350507.2 and 4 more transcripts); c.1654A>G, p.Arg552Gly (NM_001350505.2); short protein forms R377G, R552G.
Identifiers: ClinVar variation 1327908 (VCV001327908.2), dbSNP rs2127985828, ClinGen allele CA364917802.